The following is an entry in ClinVar:

ClinVar aggregate classification (germline): Uncertain significance (1 of 4 stars; one submission).

gnomAD v4.1: 1 of 1,614,212 alleles (0.000062%); highest among the groups gnomAD compares: Admixed American, 0.0017%; no homozygotes.

Submission:

Labcorp Genetics (formerly Invitae), Labcorp
Classification: Uncertain significance. Last evaluated: 2023-03-21. Review status: criteria provided, single submitter. Criteria: Invitae Variant Classification Sherloc (09022015). Collection method: clinical testing. Allele origin: germline.
Comment: This variant has not been reported in the literature in individuals affected with NCKAP1L-related conditions. An algorithm developed to predict the effect of missense changes on protein structure and function (PolyPhen-2) suggests that this variant is likely to be disruptive. In summary, the available evidence is currently insufficient to determine the role of this variant in disease. Therefore, it has been classified as a Variant of Uncertain Significance. This variant is present in population databases (rs747955355, gnomAD 0.003%). This sequence change replaces isoleucine, which is neutral and non-polar, with asparagine, which is neutral and polar, at codon 155 of the NCKAP1L protein (p.Ile155Asn).

NM_005337.5(NCKAP1L):c.464T>A (p.Ile155Asn)

Gene: NCKAP1L (NCK associated protein 1 like; plus strand). Cytogenetic location: 12q13.2.
Variant type: single nucleotide variant.
Coding change: c.464T>A on transcript NM_005337.5 (MANE Select); coding-DNA position 464, T replaced by A.
Protein change: p.Ile155Asn; replaces isoleucine 155 with asparagine.
Molecular consequence: missense variant.
Genome position (GRCh38, 1-based): chr12:54,508,489, T>A. VCF-style: chr12-54508489-T-A. GRCh37 (hg19) VCF-style: chr12-54902273-T-A.
Other names: c.314T>A, p.Ile105Asn (NM_001184976.2); short protein forms I105N, I155N.
Identifiers: ClinVar variation 2848352 (VCV002848352.3), dbSNP rs747955355, ClinGen allele CA6608836.